The following is an entry in ClinVar:

ClinVar aggregate classification (germline): Uncertain significance (1 of 4 stars; one submission).

Conditions:
Nemaline myopathy 10 (NEM10). Identifiers: MedGen C4015360, MONDO:0014513, OMIM 616165.

gnomAD v4.1: 2 of 1,597,140 alleles (0.00013%); highest among the groups gnomAD compares: Non-Finnish European, 0.000085%; no homozygotes.

Submission:

Labcorp Genetics (formerly Invitae), Labcorp
Classification: Uncertain significance for Nemaline myopathy 10. Last evaluated: 2022-05-12. Review status: criteria provided, single submitter. Criteria: Invitae Variant Classification Sherloc (09022015). Collection method: clinical testing. Allele origin: germline.
Comment: This sequence change replaces glutamic acid, which is acidic and polar, with lysine, which is basic and polar, at codon 103 of the LMOD3 protein (p.Glu103Lys). This variant is not present in population databases (gnomAD no frequency). This variant has not been reported in the literature in individuals affected with LMOD3-related conditions. Algorithms developed to predict the effect of missense changes on protein structure and function output the following: SIFT: "Tolerated"; PolyPhen-2: "Benign"; Align-GVGD: "Class C0". The lysine amino acid residue is found in multiple mammalian species, which suggests that this missense change does not adversely affect protein function. In summary, the available evidence is currently insufficient to determine the role of this variant in disease. Therefore, it has been classified as a Variant of Uncertain Significance.

NM_198271.5(LMOD3):c.307G>A (p.Glu103Lys)

Gene: LMOD3 (leiomodin 3; minus strand). Cytogenetic location: 3p14.1.
Variant type: single nucleotide variant.
Coding change: c.307G>A on transcript NM_198271.5 (MANE Select); coding-DNA position 307, G replaced by A.
Protein change: p.Glu103Lys; replaces glutamic acid 103 with lysine.
Molecular consequence: missense variant.
Genome position (GRCh38, 1-based): chr3:69,120,048, C>T on the plus strand (G>A on the coding strand, the complement: LMOD3 is on the minus strand). VCF-style: chr3-69120048-C-T. GRCh37 (hg19) VCF-style: chr3-69169199-C-T.
Other names: c.307G>A, p.Glu103Lys (NM_001304418.3); short protein forms E103K.
Identifiers: ClinVar variation 1917538 (VCV001917538.5), dbSNP rs2092400217, ClinGen allele CA353477516.